The following is an entry in ClinVar:

NM_000785.4(CYP27B1):c.96dup (p.Ala33fs)

Gene: CYP27B1 (cytochrome P450 family 27 subfamily B member 1; minus strand). Cytogenetic location: 12q14.1.
Variant type: Duplication.
Coding change: c.96dup on transcript NM_000785.4 (MANE Select); coding-DNA position 96, one base duplicated (A; older notation c.96dupA).
Protein change: p.Ala33fs; shifts the reading frame from alanine 33.
Molecular consequence: frameshift variant.
Genome position (GRCh38, 1-based): chr12:57,766,946, T duplicated on the plus strand (A on the coding strand, the reverse complement: CYP27B1 is on the minus strand). VCF-style (leftmost placement, unchanged base first): chr12-57766945-C-CT. GRCh37 (hg19) VCF-style: chr12-58160728-C-CT.
Other names: short protein forms A33fs.
Identifiers: ClinVar variation 960858 (VCV000960858.7), dbSNP rs1955367536, ClinGen allele CA1139662747.

ClinVar aggregate classification (germline): Pathogenic (1 of 4 stars; one submission).

Submission:

Labcorp Genetics (formerly Invitae), Labcorp
Classification: Pathogenic. Last evaluated: 2020-03-18. Review status: criteria provided, single submitter. Criteria: Invitae Variant Classification Sherloc (09022015). Collection method: clinical testing. Allele origin: germline.
Comment: This sequence change creates a premature translational stop signal (p.Ala33Serfs*300) in the CYP27B1 gene. It is expected to result in an absent or disrupted protein product. This variant is not present in population databases (ExAC no frequency). This variant has not been reported in the literature in individuals with CYP27B1-related conditions. Loss-of-function variants in CYP27B1 are known to be pathogenic (PMID: 9837822, 17488797). For these reasons, this variant has been classified as Pathogenic.

Literature cited by the submitters: PubMed 9837822; PubMed 17488797.